The following is an entry in ClinVar:

ClinVar aggregate classification (germline): Pathogenic. Review status: criteria provided, multiple submitters, no conflicts (2 of 4 stars). 2 submissions from 2 submitters: Pathogenic (2). Last evaluated 2025-11-27.

Conditions:
Fanconi anemia complementation group J. Also called: BRIP1-Related Fanconi Anemia. Identifiers: Orphanet 84, MedGen C1836860, MONDO:0012187, OMIM 609054.
Familial cancer of breast. Also called: hereditary breast carcinoma; BREAST CANCER, FAMILIAL; Hereditary breast cancer. Identifiers: Orphanet 227535, MedGen C0346153, MONDO:0016419, OMIM 114480. Disease mechanism: loss of function.

Submissions (2):

Labcorp Genetics (formerly Invitae), Labcorp
Classification: Pathogenic for Familial cancer of breast; Fanconi anemia complementation group J. Last evaluated: 2025-11-27. Review status: criteria provided, single submitter. Criteria: Invitae Variant Classification Sherloc (09022015). Collection method: clinical testing. Allele origin: germline.
Comment: This sequence change creates a premature translational stop signal (p.Gln869Argfs*28) in the BRIP1 gene. It is expected to result in an absent or disrupted protein product. Loss-of-function variants in BRIP1 are known to be pathogenic (PMID: 16116423, 17033622, 21964575). This variant is not present in population databases (gnomAD no frequency). This variant has not been reported in the literature in individuals affected with BRIP1-related conditions. ClinVar contains an entry for this variant (Variation ID: 2921972). For these reasons, this variant has been classified as Pathogenic.

Myriad Genetics, Inc.
Classification: Pathogenic for Familial cancer of breast. Last evaluated: 2024-05-07. Review status: criteria provided, single submitter. Criteria: Myriad Autosomal Dominant, Autosomal Recessive and X-Linked Classification Criteria (2023). Collection method: clinical testing. Allele origin: unknown.
Comment: This variant is considered pathogenic. This variant creates a frameshift predicted to result in premature protein truncation.

Literature cited by the submitters: PubMed 16116423 (cited by Labcorp Genetics (formerly Invitae), Labcorp); PubMed 17033622 (cited by Labcorp Genetics (formerly Invitae), Labcorp); PubMed 21964575 (cited by Labcorp Genetics (formerly Invitae), Labcorp).

NM_032043.3(BRIP1):c.2606del (p.Gln869fs)

Gene: BRIP1 (BRCA1 interacting DNA helicase 1; minus strand). Cytogenetic location: 17q23.2.
Variant type: Deletion.
Coding change: c.2606del on transcript NM_032043.3 (MANE Select); coding-DNA position 2606, one base deleted (A; older notation c.2606delA).
Protein change: p.Gln869fs; shifts the reading frame from glutamine 869.
Molecular consequence: frameshift variant.
Genome position (GRCh38, 1-based): chr17:61,686,135, T deleted on the plus strand (A on the coding strand, the reverse complement: BRIP1 is on the minus strand). VCF-style (leftmost placement, unchanged base first): chr17-61686134-CT-C. GRCh37 (hg19) VCF-style: chr17-59763495-CT-C.
Other names: short protein forms Q869fs.
Identifiers: ClinVar variation 2921972 (VCV002921972.4), dbSNP rs2544574443, ClinGen allele CA2740093845.